The following is an entry in ClinVar:

NM_001374504.1(TMPRSS6):c.361C>T (p.Arg121Cys)

Gene: TMPRSS6 (transmembrane serine protease 6; minus strand). Cytogenetic location: 22q12.3.
Variant type: single nucleotide variant.
Coding change: c.361C>T on transcript NM_001374504.1 (MANE Select); coding-DNA position 361, C replaced by T.
Protein change: p.Arg121Cys; replaces arginine 121 with cysteine.
Molecular consequence: missense variant.
Genome position (GRCh38, 1-based): chr22:37,096,691, G>A on the plus strand (C>T on the coding strand, the complement: TMPRSS6 is on the minus strand). VCF-style: chr22-37096691-G-A. GRCh37 (hg19) VCF-style: chr22-37492731-G-A.
Other names: c.361C>T, p.Arg121Cys (NM_001289000.2, NM_001289001.2, NM_153609.4); short protein forms R121C.
Identifiers: ClinVar variation 1309936 (VCV001309936.5), dbSNP rs145073875, ClinGen allele CA10216098.

ClinVar aggregate classification (germline): Conflicting classifications of pathogenicity. Review status: criteria provided, conflicting classifications (1 of 4 stars). 2 submissions from 2 submitters: Uncertain significance (1); Likely benign (1). Last evaluated 2023-08-12.

Allele frequency attached by ClinVar (database versions not stated): ExAC 0.00066; ESP Exome Variant Server 0.00023; gnomAD exomes 0.00026; gnomAD 0.00028; TOPMed 0.00032; 1000 Genomes Project 0.00040; 1000 Genomes Project 30x 0.00047.
gnomAD v4.1: 181 of 1,566,418 alleles (0.012%); highest among the groups gnomAD compares: East Asian, 0.18%; no homozygotes.

Submissions (2):

Labcorp Genetics (formerly Invitae), Labcorp
Classification: Likely benign. Last evaluated: 2023-08-12. Review status: criteria provided, single submitter. Criteria: Invitae Variant Classification Sherloc (09022015). Collection method: clinical testing. Allele origin: germline.

GeneDx
Classification: Uncertain significance. Last evaluated: 2019-11-14. Review status: criteria provided, single submitter. Criteria: GeneDx Variant Classification Process June 2021. Collection method: clinical testing. Allele origin: germline. Affected: yes.
Comment: In silico analysis, which includes protein predictors and evolutionary conservation, supports a deleterious effect; Has not been previously published as pathogenic or benign to our knowledge